The following is an entry in ClinVar:

NM_001374736.1(DST):c.18183del (p.Lys6061fs)

Gene: DST (dystonin; minus strand). Cytogenetic location: 6p12.1.
Variant type: Deletion.
Coding change: c.18183del on transcript NM_001374736.1 (MANE Select); coding-DNA position 18183, one base deleted (A; older notation c.18183delA).
Protein change: p.Lys6061fs; shifts the reading frame from lysine 6061.
Molecular consequence: frameshift variant.
Genome position (GRCh38, 1-based): chr6:56,517,567, T deleted on the plus strand (A on the coding strand, the reverse complement: DST is on the minus strand); the first of 8 consecutive T bases (chr6:56,517,567-56,517,574); deleting any one gives the same sequence. VCF-style (leftmost placement, unchanged base first): chr6-56517566-AT-A. GRCh37 (hg19) VCF-style: chr6-56382364-AT-A.
Other names: c.11826del, p.Lys3942fs (NM_001144769.5); c.11412del, p.Lys3804fs (NM_001144770.2); c.18183del, p.Lys6061fs (NM_001374722.1); c.17223del, p.Lys5741fs (NM_001374729.1); c.10965del, p.Lys3655fs (NM_001374730.1); c.18210del, p.Lys6070fs (NM_001374734.1); c.11292del, p.Lys3764fs (NM_001386100.1, NM_183380.4); c.10314del, p.Lys3438fs (NM_015548.5); short protein forms K3438fs, K3655fs, K3764fs, K3804fs, K3942fs, K5741fs, K6061fs, K6070fs.
Identifiers: ClinVar variation 3754565 (VCV003754565.2).
Genomic context (GRCh38, chr6:56,517,566, plus strand): 5'-GAACTTGAAGCTGAGCAGAAGTCTGGTCTTGCTCAAGCCTGATGTCACCCAGAGACATCA[AT>A]TTTTTTTCTGTTTCAGTAATCCAGGATAACTCAGCATCAGCTGCTTGGTCAAACTAAACA-3'

ClinVar aggregate classification (germline): Pathogenic (1 of 4 stars; one submission).

Conditions:
Epidermolysis bullosa simplex 3, localized or generalized intermediate, with BP230 deficiency (EBS3). Also called: Epidermolysis bullosa simplex due to BP230 deficiency; Epidermolysis bullosa simplex, autosomal recessive 2. Identifiers: Orphanet 412181, MedGen C3809470, MONDO:0014180, OMIM 615425.
Hereditary sensory and autonomic neuropathy type 6. Also called: HSAN VI; Neuropathy, hereditary sensory and autonomic, type VI. Identifiers: Orphanet 314381, MedGen C3539003, MONDO:0013839, OMIM 614653.

Submission:

Labcorp Genetics (formerly Invitae), Labcorp
Classification: Pathogenic for Epidermolysis bullosa simplex 3, localized or generalized intermediate, with BP230 deficiency; Hereditary sensory and autonomic neuropathy type 6. Last evaluated: 2024-02-11. Review status: criteria provided, single submitter. Criteria: Invitae Variant Classification Sherloc (09022015). Collection method: clinical testing. Allele origin: germline.
Comment: The DST gene has multiple clinically relevant transcripts. This variant occurs in alternate transcript NM_015548.4, and corresponds to c.10314del (p.Lys3438Asnfs*2) in the primary transcript. This sequence change creates a premature translational stop signal (p.Lys3438Asnfs*2) in the DST gene. It is expected to result in an absent or disrupted protein product. Loss-of-function variants in DST are known to be pathogenic (PMID: 22522446, 25059916, 30371979). The frequency data for this variant in the population databases is considered unreliable, as metrics indicate poor data quality at this position in the gnomAD database. This variant has not been reported in the literature in individuals affected with DST-related conditions. For these reasons, this variant has been classified as Pathogenic.

Literature cited by the submitters: PubMed 22522446; PubMed 25059916; PubMed 30371979.